The following is an entry in ClinVar:

NM_001723.7(DST):c.5286G>A (p.Met1762Ile)

Gene: DST (dystonin; minus strand). Cytogenetic location: 6p12.1.
Variant type: single nucleotide variant.
Coding change: c.5286G>A on transcript NM_001723.7 (MANE Plus Clinical); coding-DNA position 5286, G replaced by A.
Protein change: p.Met1762Ile; replaces methionine 1762 with isoleucine.
Molecular consequence: missense variant. On other transcripts: intron variant (10).
Genome position (GRCh38, 1-based): chr6:56,618,748, C>T on the plus strand (G>A on the coding strand, the complement: DST is on the minus strand). VCF-style: chr6-56618748-C-T. GRCh37 (hg19) VCF-style: chr6-56483546-C-T.
Other names: c.4831-4264G>A (NM_001144769.5); c.4930-4264G>A (NM_001374722.1, NM_001374736.1); c.4957-4264G>A (NM_001374734.1); c.4417-4264G>A (NM_001144770.2); c.4297-4264G>A (NM_001374730.1, NM_001386100.1, NM_183380.4 and 1 more transcripts); c.3319-4264G>A (NM_015548.5); short protein forms M1762I.
Identifiers: ClinVar variation 847117 (VCV000847117.10), dbSNP rs2098655684, ClinGen allele CA364567722.

ClinVar aggregate classification (germline): Uncertain significance (1 of 4 stars; one submission).

Conditions:
Epidermolysis bullosa simplex 3, localized or generalized intermediate, with BP230 deficiency (EBS3). Also called: Epidermolysis bullosa simplex due to BP230 deficiency; Epidermolysis bullosa simplex, autosomal recessive 2. Identifiers: Orphanet 412181, MedGen C3809470, MONDO:0014180, OMIM 615425.
Hereditary sensory and autonomic neuropathy type 6. Also called: HSAN VI; Neuropathy, hereditary sensory and autonomic, type VI. Identifiers: Orphanet 314381, MedGen C3539003, MONDO:0013839, OMIM 614653.

Submission:

Labcorp Genetics (formerly Invitae), Labcorp
Classification: Uncertain significance for Epidermolysis bullosa simplex 3, localized or generalized intermediate, with BP230 deficiency; Hereditary sensory and autonomic neuropathy type 6. Last evaluated: 2019-03-08. Review status: criteria provided, single submitter. Criteria: Invitae Variant Classification Sherloc (09022015). Collection method: clinical testing. Allele origin: germline.
Comment: This variant has not been reported in the literature in individuals with DST-related conditions. This sequence change replaces methionine with isoleucine at codon 1762 of the DST protein (p.Met1762Ile). The methionine residue is weakly conserved and there is a small physicochemical difference between methionine and isoleucine. This variant is not present in population databases (ExAC no frequency). Algorithms developed to predict the effect of missense changes on protein structure and function (SIFT, PolyPhen-2, Align-GVGD) all suggest that this variant is likely to be tolerated, but these predictions have not been confirmed by published functional studies and their clinical significance is uncertain. In summary, the available evidence is currently insufficient to determine the role of this variant in disease. Therefore, it has been classified as a Variant of Uncertain Significance.